The following is an entry in ClinVar:

ClinVar aggregate classification (germline): Uncertain significance (1 of 4 stars; one submission).

Conditions:
Episodic ataxia type 1 (EA1). Also called: ATAXIA, EPISODIC, WITH MYOKYMIA; Episodic ataxia/myokymia syndrome; MYOKYMIA WITH PERIODIC ATAXIA; PAROXYSMAL ATAXIA WITH NEUROMYOTONIA, HEREDITARY. Identifiers: Orphanet 37612, Orphanet 972, MedGen C1719788, MONDO:0008047, OMIM 160120.

Submission:

Labcorp Genetics (formerly Invitae), Labcorp
Classification: Uncertain significance for Episodic ataxia type 1. Last evaluated: 2022-04-29. Review status: criteria provided, single submitter. Criteria: Invitae Variant Classification Sherloc (09022015). Collection method: clinical testing. Allele origin: germline.
Comment: In summary, the available evidence is currently insufficient to determine the role of this variant in disease. Therefore, it has been classified as a Variant of Uncertain Significance. Experimental studies and prediction algorithms are not available or were not evaluated, and the functional significance of this variant is currently unknown. This variant has not been reported in the literature in individuals affected with KCNA1-related conditions. This variant is not present in population databases (gnomAD no frequency). This sequence change creates a premature translational stop signal (p.Glu11*) in the KCNA1 gene. While this is not anticipated to result in nonsense mediated decay, it is expected to disrupt the last 485 amino acid(s) of the KCNA1 protein.

NM_000217.3(KCNA1):c.31G>T (p.Glu11Ter)

Genes: KCNA1 (potassium voltage-gated channel subfamily A member 1; plus strand), LOC130007218 (ATAC-STARR-seq lymphoblastoid silent region 4155; plus strand). Cytogenetic location: 12p13.32.
Variant type: single nucleotide variant.
Coding change: c.31G>T on transcript NM_000217.3 (MANE Select); coding-DNA position 31, G replaced by T.
Protein change: p.Glu11Ter; replaces glutamic acid 11 with a stop codon.
Molecular consequence: nonsense.
Genome position (GRCh38, 1-based): chr12:4,911,409, G>T. VCF-style: chr12-4911409-G-T. GRCh37 (hg19) VCF-style: chr12-5020575-G-T.
Other names: short protein forms E11*.
Identifiers: ClinVar variation 2131800 (VCV002131800.4), dbSNP rs2497351218, ClinGen allele CA383453648.